The following is an entry in ClinVar:

ClinVar aggregate classification (germline): Uncertain significance (1 of 4 stars; one submission).

gnomAD v4.1: 64 of 1,035,332 alleles (0.0062%); highest among the groups gnomAD compares: African/African-American, 0.08%; no homozygotes.

Submission:

Dasa
Classification: Uncertain significance. Last evaluated: 2025-11-27. Review status: criteria provided, single submitter. Criteria: DASA Assertion Criteria. Collection method: clinical testing. Allele origin: germline.
Comment: NM_001243279.3(ACSF3):c.977+145C>T is an intronic variant. This variant is rare in population databases. The currently available literature and clinical evidence are not sufficient to establish a definitive association between this variant and the reported condition. Therefore, this variant is classified as a variant of uncertain significance.

NM_001243279.3(ACSF3):c.977+145C>T

Gene: ACSF3 (acyl-CoA synthetase family member 3; plus strand). Cytogenetic location: 16q24.3.
Variant type: single nucleotide variant.
Coding change: c.977+145C>T on transcript NM_001243279.3 (MANE Select); 145 bases into the intron after coding-DNA position 977, C replaced by T.
Molecular consequence: intron variant.
Genome position (GRCh38, 1-based): chr16:89,112,391, C>T. VCF-style: chr16-89112391-C-T. GRCh37 (hg19) VCF-style: chr16-89178799-C-T.
Other names: c.977+145C>T (NM_001127214.4, NM_174917.5); c.182+145C>T (NM_001284316.2).
Identifiers: ClinVar variation 4885938 (VCV004885938.2).